The following is an entry in ClinVar:

NM_003002.4(SDHD):c.170-14G>C

Gene: SDHD (succinate dehydrogenase complex subunit D; plus strand). Cytogenetic location: 11q23.1.
Variant type: single nucleotide variant.
Coding change: c.170-14G>C on transcript NM_003002.4 (MANE Select); 14 bases into the intron before coding-DNA position 170, G replaced by C.
Molecular consequence: intron variant.
Genome position (GRCh38, 1-based): chr11:112,088,853, G>C. VCF-style: chr11-112088853-G-C. GRCh37 (hg19) VCF-style: chr11-111959577-G-C.
Other names: c.170-14G>C (NM_001276506.2); c.169+880G>C (NM_001276503.2); c.53-14G>C (NM_001276504.2).
Identifiers: ClinVar variation 1580324 (VCV001580324.10), dbSNP rs919536825, ClinGen allele CA228551596.

ClinVar aggregate classification (germline): Likely benign. Review status: criteria provided, multiple submitters, no conflicts (2 of 4 stars). 3 submissions from 3 submitters: Likely benign (3). Last evaluated 2025-03-17.

Conditions:
Carney-Stratakis syndrome. Also called: PARAGANGLIOMA AND GASTROINTESTINAL STROMAL TUMOR. Identifiers: Orphanet 97286, MedGen C1847319, MONDO:0011740, OMIM 606864.
Paragangliomas with sensorineural hearing loss. Identifiers: MedGen C1868633.
Cowden syndrome 3 (CWS3). Identifiers: Orphanet 201, MedGen CN166604, MONDO:0014045.
Pheochromocytoma. Also called: MAX-Related Hereditary Paraganglioma-Pheochromocytoma Syndrome. Identifiers: Orphanet 29072, MedGen C0031511, MONDO:0008233, OMIM 171300, HP:0002666.
Pheochromocytoma/paraganglioma syndrome 1. Also called: Paragangliomas 1; PARAGANGLIOMATA; PARAGANGLIOMAS, FAMILIAL NONCHROMAFFIN, 1; PGL 1; Paragangliomas familial 1; Glomus tumors familial 1. Identifiers: Orphanet 29072, MedGen C3494181, MONDO:0008192, OMIM 168000.

Allele frequency attached by ClinVar (database versions not stated): TOPMed 0.00001.
gnomAD v4.1: 2 of 1,612,042 alleles (0.00012%); highest among the groups gnomAD compares: Non-Finnish European, 0.00017%; no homozygotes.

Submissions (3):

Myriad Genetics, Inc.
Classification: Likely benign for Pheochromocytoma/paraganglioma syndrome 1. Last evaluated: 2025-03-17. Review status: criteria provided, single submitter. Criteria: Myriad Autosomal Dominant, Autosomal Recessive and X-Linked Classification Criteria (2023). Collection method: clinical testing. Allele origin: unknown.
Comment: This variant is considered likely benign. This variant is intronic and is not expected to impact mRNA splicing.

Labcorp Genetics (formerly Invitae), Labcorp
Classification: Likely benign for Carney-Stratakis syndrome; Paragangliomas with sensorineural hearing loss; Pheochromocytoma; Cowden syndrome 3. Last evaluated: 2024-09-22. Review status: criteria provided, single submitter. Criteria: Invitae Variant Classification Sherloc (09022015). Collection method: clinical testing. Allele origin: germline.

Breakthrough Genomics
Classification: Likely benign. Review status: criteria provided, single submitter. Criteria: ACMG Guidelines, 2015. Collection method: not provided. Allele origin: germline. Inheritance: Autosomal recessive inheritance. Affected: yes.